The following is an entry in ClinVar:

ClinVar aggregate classification (germline): Conflicting classifications of pathogenicity. Review status: criteria provided, conflicting classifications (1 of 4 stars). 16 submissions from 16 submitters: Uncertain significance (1); Benign (4); Likely benign (8). 3 of the submissions do not count toward it. Last evaluated 2026-06-01.

Conditions:
Isolated focal cortical dysplasia type II (FCORD2). Also called: Focal cortical dysplasia type II; CORTICAL DYSPLASIA OF TAYLOR. Identifiers: Orphanet 268994, MedGen C1846385, MONDO:0011818, OMIM 607341, HP:0032051.
Lymphangiomyomatosis (LAM). Also called: Lymphangioleiomyomatosis; Lymphangioleiomyomatosis, somatic. Identifiers: Orphanet 538, MedGen C0751674, MONDO:0011705, OMIM 606690.
Tuberous sclerosis 2 (TSC2). Identifiers: Orphanet 805, MedGen C1860707, MONDO:0013199, OMIM 613254.
TSC2-related disorder. Also called: TSC2-Related Disorders; TSC2-related condition.
Hereditary cancer-predisposing syndrome. Also called: Tumor predisposition; Neoplastic Syndromes, Hereditary; Hereditary Cancer Syndrome; Hereditary neoplastic syndrome. Identifiers: Orphanet 140162, MedGen C0027672, MeSH D009386, MONDO:0015356.
Tuberous sclerosis syndrome (TSC). Also called: Tuberous Sclerosis Complex; Tuberous sclerosis. Identifiers: Orphanet 805, MedGen C0041341, MONDO:0001734.

Allele frequency attached by ClinVar (database versions not stated): gnomAD exomes 0.00005; TOPMed 0.00006; ESP Exome Variant Server 0.00008; ExAC 0.00009.
gnomAD v4.1: 269 of 1,609,208 alleles (0.017%); highest among the groups gnomAD compares: Non-Finnish European, 0.021%; no homozygotes.

Submissions (16):

CeGaT Center for Human Genetics Tuebingen
Classification: Benign. Last evaluated: 2026-06-01. Review status: criteria provided, single submitter. Criteria: CeGaT Center For Human Genetics Tuebingen Variant Classification Criteria Version 2. Collection method: clinical testing. Allele origin: germline. Affected: yes. Observed: 5 variant alleles.
Comment: TSC2: BS1, BS2

Labcorp Genetics (formerly Invitae), Labcorp
Classification: Benign for Tuberous sclerosis 2. Last evaluated: 2026-01-29. Review status: criteria provided, single submitter. Criteria: Invitae Variant Classification Sherloc (09022015). Collection method: clinical testing. Allele origin: germline.

Myriad Genetics, Inc.
Classification: Likely benign for Tuberous sclerosis 2. Last evaluated: 2025-06-03. Review status: criteria provided, single submitter. Criteria: Myriad Autosomal Dominant, Autosomal Recessive and X-Linked Classification Criteria (2023). Collection method: clinical testing. Allele origin: unknown.
Comment: This variant is considered likely benign. This variant has been observed at a population frequency that is significantly greater than expected given the associated disease prevalence and penetrance.

Blueprint Genetics
Classification: Likely benign. Last evaluated: 2023-12-05. Review status: criteria provided, single submitter. Criteria: ACMG Guidelines, 2015. Collection method: clinical testing. Allele origin: germline.

Quest Diagnostics Nichols Institute San Juan Capistrano
Classification: Likely benign. Last evaluated: 2023-07-19. Review status: criteria provided, single submitter. Criteria: Quest Diagnostics criteria. Collection method: clinical testing. Allele origin: unknown.
Comment: The frequency of this variant in the general population is higher than would generally be expected for pathogenic variants in this gene. This variant has been seen where an alternate explanation for disease was also identified. Assessment of experimental evidence regarding the effect of this variant on protein function is inconclusive (PMID: 21309039).

ARUP Laboratories, Molecular Genetics and Genomics, ARUP Laboratories
Classification: Likely benign. Last evaluated: 2023-01-24. Review status: criteria provided, single submitter. Criteria: ARUP Molecular Germline Variant Investigation Process 2024. Collection method: clinical testing. Allele origin: germline.

Color Diagnostics, LLC DBA Color Health
Classification: Likely benign for Tuberous sclerosis syndrome. Last evaluated: 2022-08-31. Review status: criteria provided, single submitter. Criteria: ACMG Guidelines, 2015. Collection method: clinical testing. Allele origin: germline.

Genome-Nilou Lab
Classification: Benign for Tuberous sclerosis 2. Last evaluated: 2021-11-07. Review status: criteria provided, single submitter. Criteria: ACMG Guidelines, 2015. Collection method: clinical testing. Allele origin: germline. Affected: no.

Sema4
Classification: Likely benign for Hereditary cancer-predisposing syndrome. Last evaluated: 2021-02-03. Review status: criteria provided, single submitter. Criteria: Sema4 Curation Guidelines. Collection method: curation. Allele origin: germline.

Women's Health and Genetics/Laboratory Corporation of America, LabCorp
Classification: Likely benign. Last evaluated: 2020-02-25. Review status: criteria provided, single submitter. Criteria: LabCorp Variant Classification Summary - May 2015. Collection method: clinical testing. Allele origin: germline.
Comment: Variant summary: TSC2 c.4225C>T (p.Arg1409Trp) results in a non-conservative amino acid change in the encoded protein sequence. Four of five in-silico tools predict a damaging effect of the variant on protein function. The variant allele was found at a frequency of 5.4e-05 in 239990 control chromosomes, predominantly at a frequency of 0.0001 within the Non-Finnish European subpopulation in the gnomAD database. The observed variant frequency within Non-Finnish European control individuals in the gnomAD database is slightly higher than the estimated maximal expected allele frequency for a pathogenic variant in TSC2 causing Tuberous Sclerosis Complex phenotype (6.9e-05), suggesting that the variant is a benign polymorphism found primarily in populations of Non-Finnish European origin. c.4225C>T has been reported in the literature in at least one individual affected with Tuberous Sclerosis Complex (Zarei_2002). This report does not provide unequivocal conclusions about association of the variant with Tuberous Sclerosis Complex. At least one publication reports experimental evidence evaluating an impact on protein function. These results showed no damaging effect of this variant (Hoogeveen-Westerveld_2011). Four clinical diagnostic laboratories have submitted clinical-significance assessments for this variant to ClinVar after 2014 without evidence for independent evaluation (benign/likely benign n=3; VUS n=1). Based on the evidence outlined above, the variant was classified as likely benign.

Ambry Genetics
Classification: Likely benign for Hereditary cancer-predisposing syndrome. Last evaluated: 2019-03-04. Review status: criteria provided, single submitter. Criteria: Ambry Variant Classification Scheme 2023. Collection method: clinical testing. Allele origin: germline.

GeneDx
Classification: Benign. Last evaluated: 2017-04-25. Review status: criteria provided, single submitter. Criteria: GeneDx Variant Classification (06012015). Collection method: clinical testing. Allele origin: germline. Affected: yes.
Comment: This variant is considered likely benign or benign based on one or more of the following criteria: it is a conservative change, it occurs at a poorly conserved position in the protein, it is predicted to be benign by multiple in silico algorithms, and/or has population frequency not consistent with disease.

Center for Genomics, Ann and Robert H. Lurie Children's Hospital of Chicago
Classification: Uncertain significance for Lymphangiomyomatosis; Isolated focal cortical dysplasia type II; Tuberous sclerosis 2. Review status: criteria provided, single submitter. Criteria: ACMG Guidelines, 2015. Collection method: clinical testing. Allele origin: germline.
Comment: TSC2 NM_000548 exon 34 p.Arg1409Trp (c.4225C>T): This variant has not been reported in the literature but is present in 11/121418 European alleles in the Genome Aggregation Database. This variant is present in ClinVar, with several labs classifying this variant as likely benign or benign (Variation ID: 41740). Evolutionary conservation and computational predictive tools for this variant are unclear. In summary, data on this variant is insufficient for disease classification. Therefore, the clinical significance of this variant is uncertain.

PreventionGenetics, part of Exact Sciences
Classification: Likely benign for TSC2-related condition. Last evaluated: 2023-03-15. Review status: no assertion criteria provided. Collection method: clinical testing. Allele origin: germline. Not counted in ClinVar's aggregate classification.
Comment: This variant is classified as likely benign based on ACMG/AMP sequence variant interpretation guidelines (Richards et al. 2015 PMID: 25741868, with internal and published modifications).

Biesecker Lab/Clinical Genomics Section, National Institutes of Health
Classification: Likely benign. Last evaluated: 2012-07-13. Review status: no assertion criteria provided. Collection method: research. Allele origin: germline. Affected: no. Observed: 1 variant allele. Study: ClinSeq. Not counted in ClinVar's aggregate classification.
ClinVar note: Converted during submission from probably not pathogenic to Likely benign.

Tuberous sclerosis database (TSC2)
No classification provided. Condition: TSC. Review status: no classification provided. Criteria: Tuberous Sclerosis Database Assertion Criteria 2015. Collection method: curation. Allele origin: germline. Affected: yes. Not counted in ClinVar's aggregate classification.

Literature cited by the submitters: PubMed 12235314 (cited by 3 submitters); PubMed 17304050 (cited by Quest Diagnostics Nichols Institute San Juan Capistrano and Ambry Genetics); PubMed 27600092 (cited by Quest Diagnostics Nichols Institute San Juan Capistrano and Women's Health and Genetics/Laboratory Corporation of America, LabCorp); PubMed 21309039 (cited by 3 submitters).

NM_000548.5(TSC2):c.4225C>T (p.Arg1409Trp)

Gene: TSC2 (TSC complex subunit 2; plus strand). Cytogenetic location: 16p13.3.
Variant type: single nucleotide variant.
Coding change: c.4225C>T on transcript NM_000548.5 (MANE Select); coding-DNA position 4225, C replaced by T.
Protein change: p.Arg1409Trp; replaces arginine 1409 with tryptophan.
Molecular consequence: missense variant.
Genome position (GRCh38, 1-based): chr16:2,084,447, C>T. VCF-style: chr16-2084447-C-T. GRCh37 (hg19) VCF-style: chr16-2134448-C-T.
Other names: c.4024C>T, p.Arg1342Trp (NM_001077183.3); c.4156C>T, p.Arg1386Trp (NM_001114382.3); c.3916C>T, p.Arg1306Trp (NM_001318827.2); c.3880C>T, p.Arg1294Trp (NM_001318829.2); c.3493C>T, p.Arg1165Trp (NM_001318831.2); c.4057C>T, p.Arg1353Trp (NM_001318832.2); c.4027C>T, p.Arg1343Trp (NM_001363528.2); c.4093C>T, p.Arg1365Trp (NM_001370404.1); and 1 more; short protein forms R1409W, R1294W, R1342W, R1306W, R1343W, R1353W, R1365W, R1386W.
Identifiers: ClinVar variation 41740 (VCV000041740.65), dbSNP rs45517333, ClinGen allele CA020096.